The following is an entry in ClinVar:

ClinVar aggregate classification (germline): Pathogenic (1 of 4 stars; one submission).

Submission:

GeneDx
Classification: Pathogenic. Last evaluated: 2025-05-12. Review status: criteria provided, single submitter. Criteria: GeneDx Variant Classification Process June 2021. Collection method: clinical testing. Allele origin: germline. Affected: yes.
Comment: Nonsense variant predicted to result in protein truncation or nonsense mediated decay in a gene for which loss of function is a known mechanism of disease; Not observed at significant frequency in large population cohorts (gnomAD); This variant is associated with the following publications: (PMID: 25920555)

NM_153704.6(TMEM67):c.41G>A (p.Trp14Ter)

Gene: TMEM67 (transmembrane protein 67; plus strand). Cytogenetic location: 8q22.1.
Variant type: single nucleotide variant.
Coding change: c.41G>A on transcript NM_153704.6 (MANE Select); coding-DNA position 41, G replaced by A.
Protein change: p.Trp14Ter; replaces tryptophan 14 with a stop codon.
Molecular consequence: nonsense. On other transcripts: non-coding transcript variant (1), intron variant (1).
Genome position (GRCh38, 1-based): chr8:93,754,955, G>A. VCF-style: chr8-93754955-G-A. GRCh37 (hg19) VCF-style: chr8-94767183-G-A.
Other names: c.-180+46G>A (NM_001142301.1); short protein forms W14*.
Identifiers: ClinVar variation 4529655 (VCV004529655.1).